The following is an entry in ClinVar:

ClinVar aggregate classification (germline): Uncertain significance (1 of 4 stars; one submission).

Conditions:
Spastic paraplegia. Identifiers: MedGen C0037772, HP:0001258.

Allele frequency attached by ClinVar (database versions not stated): gnomAD exomes below 0.00001 and 0.00001; gnomAD 0.00001; TOPMed 0.00001.
gnomAD v4.1: 13 of 1,613,912 alleles (0.00081%); highest among the groups gnomAD compares: Non-Finnish European, 0.00093%; no homozygotes.

Submission:

Labcorp Genetics (formerly Invitae), Labcorp
Classification: Uncertain significance for Spastic paraplegia. Last evaluated: 2021-10-28. Review status: criteria provided, single submitter. Criteria: Invitae Variant Classification Sherloc (09022015). Collection method: clinical testing. Allele origin: germline.
Comment: This sequence change replaces cysteine, which is neutral and slightly polar, with tyrosine, which is neutral and polar, at codon 437 of the CYP7B1 protein (p.Cys437Tyr). This variant is present in population databases (no rsID available, gnomAD 0.002%). This variant has not been reported in the literature in individuals affected with CYP7B1-related conditions. ClinVar contains an entry for this variant (Variation ID: 363579). Algorithms developed to predict the effect of missense changes on protein structure and function output the following: SIFT: "Tolerated"; PolyPhen-2: "Benign"; Align-GVGD: "Class C0". The tyrosine amino acid residue is found in multiple mammalian species, which suggests that this missense change does not adversely affect protein function. In summary, the available evidence is currently insufficient to determine the role of this variant in disease. Therefore, it has been classified as a Variant of Uncertain Significance.

NM_004820.5(CYP7B1):c.1310G>A (p.Cys437Tyr)

Gene: CYP7B1 (cytochrome P450 family 7 subfamily B member 1; minus strand). Cytogenetic location: 8q12.3.
Variant type: single nucleotide variant.
Coding change: c.1310G>A on transcript NM_004820.5 (MANE Select); coding-DNA position 1310, G replaced by A.
Protein change: p.Cys437Tyr; replaces cysteine 437 with tyrosine.
Molecular consequence: missense variant. On other transcripts: intron variant (1).
Genome position (GRCh38, 1-based): chr8:64,596,853, C>T on the plus strand (G>A on the coding strand, the complement: CYP7B1 is on the minus strand). VCF-style: chr8-64596853-C-T. GRCh37 (hg19) VCF-style: chr8-65509410-C-T.
Other names: c.1234-7009G>A (NM_001324112.2); short protein forms C437Y.
Identifiers: ClinVar variation 363579 (VCV000363579.7), dbSNP rs886063072, ClinGen allele CA10628218.